The following is an entry in ClinVar:

ClinVar aggregate classification (germline): Uncertain significance (1 of 4 stars; one submission).

Conditions:
Bone marrow failure syndrome 6. Identifiers: MedGen C5394274, MONDO:0030015, OMIM 618849.

Submission:

3billion
Classification: Uncertain significance for Bone marrow failure syndrome 6. Last evaluated: 2022-01-03. Review status: criteria provided, single submitter. Criteria: ACMG Guidelines, 2015. Collection method: clinical testing. Allele origin: germline. Affected: yes. Observed: 1 heterozygote.
Comment: The varaint is not observed in the gnomAD v2.1.1 dataset (PM2_M). A missense variant is a common mechanism associated with Bone marrow failure syndrome 6 (PP2_P). Therefore, this variant is classified as uncertain significance according to the recommendation of ACMG/AMP guideline.

NM_002393.5(MDM4):c.1147T>C (p.Ser383Pro)

Gene: MDM4 (MDM4 regulator of p53; plus strand). Cytogenetic location: 1q32.1.
Variant type: single nucleotide variant.
Coding change: c.1147T>C on transcript NM_002393.5 (MANE Select); coding-DNA position 1147, T replaced by C.
Protein change: p.Ser383Pro; replaces serine 383 with proline.
Molecular consequence: missense variant. On other transcripts: 3 prime UTR variant (2).
Genome position (GRCh38, 1-based): chr1:204,549,356, T>C. VCF-style: chr1-204549356-T-C. GRCh37 (hg19) VCF-style: chr1-204518484-T-C.
Other names: c.997T>C, p.Ser333Pro (NM_001204171.2); c.169T>C, p.Ser57Pro (NM_001204172.2); c.*656T>C (NM_001278516.2); c.853T>C, p.Ser285Pro (NM_001278517.2); c.*317T>C (NM_001278518.2); c.478T>C, p.Ser160Pro (NM_001278519.2); short protein forms S160P, S285P, S333P, S383P, S57P.
Identifiers: ClinVar variation 1333555 (VCV001333555.1), dbSNP rs2102456822, ClinGen allele CA344368028.